The following is an entry in ClinVar:

ClinVar aggregate classification (germline): Likely pathogenic (1 of 4 stars; one submission).

Conditions:
Developmental delay, hypotonia, musculoskeletal defects, and behavioral abnormalities. Identifiers: MedGen C5562012, MONDO:0859202, OMIM 619595.

Submission:

3billion
Classification: Likely pathogenic for Developmental delay, hypotonia, musculoskeletal defects, and behavioral abnormalities. Last evaluated: 2025-10-31. Review status: criteria provided, single submitter. Criteria: ACMG Guidelines, 2015. Collection method: clinical testing. Allele origin: germline. Affected: yes.
Comment: The variant is not observed in the gnomAD v4.1.0 dataset. Predicted Consequence/Location: Frameshift: predicted to result in a loss or disruption of normal protein function through nonsense-mediated decay (NMD) or protein truncation. Multiple pathogenic variants are reported downstream of the variant. Therefore, this variant is classified as Likely pathogenic according to the recommendation of ACMG/AMP guideline.

NM_006662.3(SRCAP):c.5775_5776del (p.Phe1925fs)

Gene: SRCAP (Snf2 related CREBBP activator protein; plus strand). Cytogenetic location: 16p11.2.
Variant type: Deletion.
Coding change: c.5775_5776del on transcript NM_006662.3 (MANE Select); coding-DNA positions 5775 to 5776, 2 bases deleted (CT; older notation c.5775_5776delCT).
Protein change: p.Phe1925fs; shifts the reading frame from phenylalanine 1925.
Molecular consequence: frameshift variant.
Genome position (GRCh38, 1-based): chr16:30,729,082-30,729,083, CT deleted; deleting any 2 consecutive bases within chr16:30,729,081-30,729,083 gives the same sequence; the c. name uses the placement nearest the transcript's 3' end. VCF-style (leftmost placement, unchanged base first): chr16-30729080-TTC-T. GRCh37 (hg19) VCF-style: chr16-30740401-TTC-T.
Other names: short protein forms F1925fs.
Identifiers: ClinVar variation 4856378 (VCV004856378.1).